The following is an entry in ClinVar:

NM_001122630.2(CDKN1C):c.599_600insACCGGC (p.186_187AP[11])

Gene: CDKN1C (cyclin dependent kinase inhibitor 1C; minus strand). Cytogenetic location: 11p15.4.
Variant type: Insertion.
Coding change: c.599_600insACCGGC on transcript NM_001122630.2 (MANE Select); coding-DNA positions 599 to 600, ACCGGC inserted.
Protein change: p.186_187AP[11].
Molecular consequence: inframe insertion. On other transcripts: intron variant (1).
Genome position: GRCh38 VCF-style: chr11-2884857-G-GGCCGGT. GRCh37 (hg19) VCF-style: chr11-2906087-G-GGCCGGT.
Other names: c.632_633insACCGGC, p.197_198AP[11] (LRG_533t1, NM_000076.2, NM_001362474.2); c.599_600insACCGGC, p.186_187AP[11] (NM_001122631.2); c.255+344_255+345insGCACCG (NM_001362475.2).
Identifiers: ClinVar variation 236970 (VCV000236970.27), dbSNP rs771450542, ClinGen allele CA5822204.

ClinVar aggregate classification (germline): Conflicting classifications of pathogenicity. Review status: criteria provided, conflicting classifications (1 of 4 stars). 4 submissions from 4 submitters: Uncertain significance (1); Benign (1); Likely benign (2). Last evaluated 2026-01-19.

Conditions:
Differences in sex development.
Beckwith-Wiedemann syndrome (BWS). Also called: EMG SYNDROME; Exomphalos macroglossia gigantism syndrome. Identifiers: Orphanet 116, MedGen C0004903, MONDO:0007534, OMIM 130650.

Submissions (4):

Labcorp Genetics (formerly Invitae), Labcorp
Classification: Likely benign for Beckwith-Wiedemann syndrome. Last evaluated: 2026-01-19. Review status: criteria provided, single submitter. Criteria: Invitae Variant Classification Sherloc (09022015). Collection method: clinical testing. Allele origin: germline.

CeGaT Center for Human Genetics Tuebingen
Classification: Likely benign. Last evaluated: 2025-10-01. Review status: criteria provided, single submitter. Criteria: CeGaT Center For Human Genetics Tuebingen Variant Classification Criteria Version 2. Collection method: clinical testing. Allele origin: germline. Affected: yes. Observed: 3 variant alleles.
Comment: CDKN1C: BS1

Cambridge Genomics Laboratory, East Genomic Laboratory Hub, NHS Genomic Medicine Service
Classification: Uncertain significance for Differences in sex development. Last evaluated: 2025-01-08. Review status: criteria provided, single submitter. Criteria: ACGS Best Practice Guidelines for Variant Classification in Rare Disease 2020. Collection method: clinical testing. Allele origin: germline. Affected: yes.
Comment: BS1_Strong

Knight Diagnostic Laboratories, Oregon Health and Sciences University
Classification: Benign. Last evaluated: 2018-09-13. Review status: criteria provided, single submitter. Criteria: ACMG Guidelines, 2015. Collection method: clinical testing. Allele origin: germline. Observed: 1 variant allele.